The following is an entry in ClinVar:

NM_052947.4(ALPK2):c.5936C>T (p.Ala1979Val)

Gene: ALPK2 (alpha kinase 2; minus strand). Cytogenetic location: 18q21.31.
Variant type: single nucleotide variant.
Coding change: c.5936C>T on transcript NM_052947.4 (MANE Select); coding-DNA position 5936, C replaced by T.
Protein change: p.Ala1979Val; replaces alanine 1979 with valine.
Molecular consequence: missense variant.
Genome position (GRCh38, 1-based): chr18:58,516,912, G>A on the plus strand (C>T on the coding strand, the complement: ALPK2 is on the minus strand). VCF-style: chr18-58516912-G-A. GRCh37 (hg19) VCF-style: chr18-56184144-G-A.
Other names: short protein forms A1979V.
Identifiers: ClinVar variation 2624507 (VCV002624507.2), dbSNP rs2518862591, ClinGen allele CA402547599.

ClinVar aggregate classification (germline): Uncertain significance (1 of 4 stars; one submission).

Submission:

Ambry Genetics
Classification: Uncertain significance. Last evaluated: 2023-07-15. Review status: criteria provided, single submitter. Criteria: Ambry Variant Classification Scheme 2023. Collection method: clinical testing. Allele origin: germline.
Comment: The p.A1979V variant (also known as c.5936C>T), located in coding exon 8 of the ALPK2 gene, results from a C to T substitution at nucleotide position 5936. The alanine at codon 1979 is replaced by valine, an amino acid with similar properties. This amino acid position is conserved. In addition, this alteration is predicted to be tolerated by in silico analysis. Since supporting evidence is limited at this time, the clinical significance of this alteration remains unclear.